The following is an entry in ClinVar:

NM_000051.4(ATM):c.6857G>A (p.Cys2286Tyr)

Genes: ATM (ATM serine/threonine kinase; plus strand), C11orf65 (chromosome 11 open reading frame 65; minus strand). Cytogenetic location: 11q22.3.
Variant type: single nucleotide variant.
Coding change: c.6857G>A on transcript NM_000051.4 (MANE Select); coding-DNA position 6857, G replaced by A.
Protein change: p.Cys2286Tyr; replaces cysteine 2286 with tyrosine.
Molecular consequence: missense variant. On other transcripts: intron variant (2).
Genome position (GRCh38, 1-based): chr11:108,326,107, G>A. VCF-style: chr11-108326107-G-A. GRCh37 (hg19) VCF-style: chr11-108196834-G-A.
Other names: c.6857G>A, p.Cys2286Tyr (NM_001351834.2); c.641-17036C>T (NM_001330368.2); c.*38+9113C>T (NM_001351110.2); short protein forms C2286Y.
Identifiers: ClinVar variation 186571 (VCV000186571.16), dbSNP rs786203052, ClinGen allele CA195204.

ClinVar aggregate classification (germline): Uncertain significance. Review status: criteria provided, multiple submitters, no conflicts (2 of 4 stars). 3 submissions from 3 submitters: Uncertain significance (3). Last evaluated 2025-04-09.

Conditions:
Hereditary cancer-predisposing syndrome. Also called: Hereditary Cancer Syndrome; Tumor predisposition; Neoplastic Syndromes, Hereditary; Hereditary neoplastic syndrome. Identifiers: Orphanet 140162, MedGen C0027672, MeSH D009386, MONDO:0015356.
Ataxia-telangiectasia syndrome (AT). Also called: ATAXIA-TELANGIECTASIA, COMPLEMENTATION GROUP A; ATAXIA-TELANGIECTASIA, FRESNO VARIANT; Ataxia-telangiectasia; Ataxia-telangiectasia, complementation group E; Cerebello-oculocutaneous telangiectasia; Immunodeficiency with ataxia telangiectasia. Identifiers: Orphanet 100, MedGen C0004135, MONDO:0008840, OMIM 208900.

Allele frequency attached by ClinVar (database versions not stated): TOPMed below 0.00001; gnomAD exomes 0.00001.
gnomAD v4.1: 3 of 1,614,150 alleles (0.00019%); highest among the groups gnomAD compares: Non-Finnish European, 0.00025%; no homozygotes.

Submissions (3):

Ambry Genetics
Classification: Uncertain significance for Hereditary cancer-predisposing syndrome. Last evaluated: 2025-04-09. Review status: criteria provided, single submitter. Criteria: Ambry Variant Classification Scheme 2023. Collection method: clinical testing. Allele origin: germline.
Comment: The p.C2286Y variant (also known as c.6857G>A), located in coding exon 46 of the ATM gene, results from a G to A substitution at nucleotide position 6857. The cysteine at codon 2286 is replaced by tyrosine, an amino acid with highly dissimilar properties. This amino acid position is not well conserved in available vertebrate species. In addition, this alteration is predicted to be tolerated by in silico analysis. Since supporting evidence is limited at this time, the clinical significance of this alteration remains unclear.

Labcorp Genetics (formerly Invitae), Labcorp
Classification: Uncertain significance for Ataxia-telangiectasia syndrome. Last evaluated: 2024-08-31. Review status: criteria provided, single submitter. Criteria: Invitae Variant Classification Sherloc (09022015). Collection method: clinical testing. Allele origin: germline.
Comment: This sequence change replaces cysteine, which is neutral and slightly polar, with tyrosine, which is neutral and polar, at codon 2286 of the ATM protein (p.Cys2286Tyr). This variant is not present in population databases (gnomAD no frequency). This variant has not been reported in the literature in individuals affected with ATM-related conditions. ClinVar contains an entry for this variant (Variation ID: 186571). An algorithm developed to predict the effect of missense changes on protein structure and function (PolyPhen-2) suggests that this variant is likely to be tolerated. In summary, the available evidence is currently insufficient to determine the role of this variant in disease. Therefore, it has been classified as a Variant of Uncertain Significance.

Sema4
Classification: Uncertain significance for Hereditary cancer-predisposing syndrome. Last evaluated: 2021-10-08. Review status: criteria provided, single submitter. Criteria: Sema4 Curation Guidelines. Collection method: curation. Allele origin: germline.
Comment: The ATM c.6857G>A (p.C2286Y) variant has not been reported in the literature to our knowledge. It was not observed in the large and broad cohorts of the Genome Aggregation Database (PMID 32461654). This variant has been reported in ClinVar (Variation ID 186571). In silico tools suggest the impact of the variant on protein function is benign, though these predictions have not been confirmed by functional studies. The evidence is insufficient to meet ACMG/AMP criteria for classifying the variant as benign or pathogenic. Thus, the clinical significance of this variant is currently uncertain.